The following is an entry in ClinVar:

NM_017433.5(MYO3A):c.3876del (p.Arg1292fs)

Gene: MYO3A (myosin IIIA; plus strand). Cytogenetic location: 10p12.1.
Variant type: Deletion.
Coding change: c.3876del on transcript NM_017433.5 (MANE Select); coding-DNA position 3876, one base deleted (G; older notation c.3876delG).
Protein change: p.Arg1292fs; shifts the reading frame from arginine 1292.
Molecular consequence: frameshift variant.
Genome position (GRCh38, 1-based): chr10:26,174,140, G deleted; the last of 2 consecutive G bases (chr10:26,174,139-26,174,140); deleting either gives the same sequence. VCF-style (leftmost placement, unchanged base first): chr10-26174138-AG-A. GRCh37 (hg19) VCF-style: chr10-26463067-AG-A.
Other names: short protein forms R1292fs.
Identifiers: ClinVar variation 2996525 (VCV002996525.3), dbSNP rs1842192806, ClinGen allele CA926080087.

ClinVar aggregate classification (germline): Pathogenic (1 of 4 stars; one submission).

Submission:

Labcorp Genetics (formerly Invitae), Labcorp
Classification: Pathogenic. Last evaluated: 2023-12-02. Review status: criteria provided, single submitter. Criteria: Invitae Variant Classification Sherloc (09022015). Collection method: clinical testing. Allele origin: germline.
Comment: This sequence change creates a premature translational stop signal (p.Arg1292Serfs*18) in the MYO3A gene. It is expected to result in an absent or disrupted protein product. Loss-of-function variants in MYO3A are known to be pathogenic (PMID: 12032315, 23990876). This variant is not present in population databases (gnomAD no frequency). This variant has not been reported in the literature in individuals affected with MYO3A-related conditions. For these reasons, this variant has been classified as Pathogenic.

Literature cited by the submitters: PubMed 12032315; PubMed 23990876.